The following is an entry in ClinVar:

ClinVar aggregate classification (germline): Uncertain significance. Review status: criteria provided, multiple submitters, no conflicts (2 of 4 stars). 2 submissions from 2 submitters: Uncertain significance (2). Last evaluated 2021-08-26.

Conditions:
Leber congenital amaurosis 4 (LCA4). Identifiers: MedGen C1858386, MONDO:0011458, OMIM 604393.

Allele frequency attached by ClinVar (database versions not stated): ExAC 0.00002; gnomAD 0.00002; gnomAD exomes 0.00002; TOPMed 0.00003; 1000 Genomes Project 0.00020.

Submissions (2):

Labcorp Genetics (formerly Invitae), Labcorp
Classification: Uncertain significance for Leber congenital amaurosis 4. Last evaluated: 2021-08-26. Review status: criteria provided, single submitter. Criteria: Invitae Variant Classification Sherloc (09022015). Collection method: clinical testing. Allele origin: germline.
Comment: This sequence change replaces threonine with methionine at codon 131 of the AIPL1 protein (p.Thr131Met). The threonine residue is moderately conserved and there is a moderate physicochemical difference between threonine and methionine. This variant is present in population databases (rs537256728, ExAC 0.01%). This variant has not been reported in the literature in individuals affected with AIPL1-related conditions. Algorithms developed to predict the effect of missense changes on protein structure and function are either unavailable or do not agree on the potential impact of this missense change (SIFT: "Deleterious"; PolyPhen-2: "Probably Damaging"; Align-GVGD: "Class C15"). In summary, the available evidence is currently insufficient to determine the role of this variant in disease. Therefore, it has been classified as a Variant of Uncertain Significance.

Blueprint Genetics
Classification: Uncertain significance. Last evaluated: 2018-06-18. Review status: criteria provided, single submitter. Criteria: ACMG Guidelines, 2015. Collection method: clinical testing. Allele origin: germline.

NM_014336.5(AIPL1):c.392C>T (p.Thr131Met)

Gene: AIPL1 (AIP like 1 HSP90 co-chaperone; minus strand). Cytogenetic location: 17p13.2.
Variant type: single nucleotide variant.
Coding change: c.392C>T on transcript NM_014336.5 (MANE Select); coding-DNA position 392, C replaced by T.
Protein change: p.Thr131Met; replaces threonine 131 with methionine.
Molecular consequence: missense variant. On other transcripts: intron variant (1).
Genome position (GRCh38, 1-based): chr17:6,428,391, G>A on the plus strand (C>T on the coding strand, the complement: AIPL1 is on the minus strand). VCF-style: chr17-6428391-G-A. GRCh37 (hg19) VCF-style: chr17-6331711-G-A.
Other names: c.212C>T, p.Thr71Met (NM_001033055.3); c.356C>T, p.Thr119Met (NM_001285399.3); c.326C>T, p.Thr109Met (NM_001285400.3); c.392C>T, p.Thr131Met (NM_001285401.3, NM_001285403.4); c.275C>T, p.Thr92Met (NM_001285402.2); c.277-1334C>T (NM_001033054.3); short protein forms T109M, T119M, T131M, T71M, T92M.
Identifiers: ClinVar variation 1026849 (VCV001026849.7), dbSNP rs537256728, ClinGen allele CA8328522.